The following is an entry in ClinVar:

ClinVar aggregate classification (germline): Uncertain significance (1 of 4 stars; one submission).

Submission:

Labcorp Genetics (formerly Invitae), Labcorp
Classification: Uncertain significance. Last evaluated: 2025-01-16. Review status: criteria provided, single submitter. Criteria: Invitae Variant Classification Sherloc (09022015). Collection method: clinical testing. Allele origin: germline.
Comment: This sequence change replaces proline, which is neutral and non-polar, with threonine, which is neutral and polar, at codon 431 of the TNNI3K protein (p.Pro431Thr). This variant is not present in population databases (gnomAD no frequency). This variant has not been reported in the literature in individuals affected with TNNI3K-related conditions. Invitae Evidence Modeling of protein sequence and biophysical properties (such as structural, functional, and spatial information, amino acid conservation, physicochemical variation, residue mobility, and thermodynamic stability) indicates that this missense variant is not expected to disrupt TNNI3K protein function with a negative predictive value of 80%. In summary, the available evidence is currently insufficient to determine the role of this variant in disease. Therefore, it has been classified as a Variant of Uncertain Significance.

NM_015978.3(TNNI3K):c.1291C>A (p.Pro431Thr)

Genes: FPGT-TNNI3K (FPGT-TNNI3K readthrough; plus strand), TNNI3K (TNNI3 interacting kinase; plus strand). Cytogenetic location: 1p31.1.
Variant type: single nucleotide variant.
Coding change: c.1291C>A on transcript NM_015978.3 (MANE Select); coding-DNA position 1291, C replaced by A.
Protein change: p.Pro431Thr; replaces proline 431 with threonine.
Molecular consequence: missense variant.
Genome position (GRCh38, 1-based): chr1:74,367,934, C>A. VCF-style: chr1-74367934-C-A. GRCh37 (hg19) VCF-style: chr1-74833618-C-A.
Other names: c.1594C>A, p.Pro532Thr (NM_001112808.3, NM_001199327.2); short protein forms P431T, P532T.
Identifiers: ClinVar variation 3686088 (VCV003686088.2).